The following is an entry in ClinVar:

NM_006904.7(PRKDC):c.8129A>G (p.Asp2710Gly)

Gene: PRKDC (protein kinase, DNA-activated, catalytic subunit; minus strand). Cytogenetic location: 8q11.21.
Variant type: single nucleotide variant.
Coding change: c.8129A>G on transcript NM_006904.7 (MANE Select); coding-DNA position 8129, A replaced by G.
Protein change: p.Asp2710Gly; replaces aspartic acid 2710 with glycine.
Molecular consequence: missense variant.
Genome position (GRCh38, 1-based): chr8:47,834,219, T>C on the plus strand (A>G on the coding strand, the complement: PRKDC is on the minus strand). VCF-style: chr8-47834219-T-C. GRCh37 (hg19) VCF-style: chr8-48746780-T-C.
Other names: c.8129A>G, p.Asp2710Gly (NM_001081640.2); short protein forms D2710G.
Identifiers: ClinVar variation 1450010 (VCV001450010.6), dbSNP rs2154499602, ClinGen allele CA371149115.
Genomic context (GRCh38, chr8:47,834,219, plus strand): 5'-GGAAGCTATTTTAAGCACACTCAGCAACCCAGCTTACCTTTCACTTTGTTATCCACCTCG[T>C]CCCCTGGAAGGCCCAGCCTTTTTTTCCCAAAATCAGGCCCCACTGACTTCAAGGGTGCTC-3'
Protein context (NP_008835.5, residues 2700-2720): FGKKRLGLPG[Asp2710Gly]EVDNKVKGAA

ClinVar aggregate classification (germline): Uncertain significance (1 of 4 stars; one submission).

Conditions:
Severe combined immunodeficiency due to DNA-PKcs deficiency. Also called: Immunodeficiency 26 with or without neurologic abnormalities; IMMUNODEFICIENCY 26 WITH NEUROLOGIC ABNORMALITIES. Identifiers: Orphanet 317425, MedGen C4014833, MONDO:0014423, OMIM 615966.

gnomAD v4.1: 1 of 1,613,996 alleles (0.000062%); highest among the groups gnomAD compares: Non-Finnish European, 0.000085%; no homozygotes.

Submission:

Labcorp Genetics (formerly Invitae), Labcorp
Classification: Uncertain significance for Severe combined immunodeficiency due to DNA-PKcs deficiency. Last evaluated: 2022-12-06. Review status: criteria provided, single submitter. Criteria: Invitae Variant Classification Sherloc (09022015). Collection method: clinical testing. Allele origin: germline.
Comment: ClinVar contains an entry for this variant (Variation ID: 1450010). Advanced modeling of protein sequence and biophysical properties (such as structural, functional, and spatial information, amino acid conservation, physicochemical variation, residue mobility, and thermodynamic stability) performed at Invitae indicates that this missense variant is expected to disrupt PRKDC protein function. In summary, the available evidence is currently insufficient to determine the role of this variant in disease. Therefore, it has been classified as a Variant of Uncertain Significance. This variant has not been reported in the literature in individuals affected with PRKDC-related conditions. This sequence change replaces aspartic acid, which is acidic and polar, with glycine, which is neutral and non-polar, at codon 2710 of the PRKDC protein (p.Asp2710Gly). This variant is not present in population databases (gnomAD no frequency).